The following is an entry in ClinVar:

ClinVar aggregate classification (germline): Uncertain significance (1 of 4 stars; one submission).

gnomAD v4.1: 46 of 1,613,784 alleles (0.0029%); highest among the groups gnomAD compares: Admixed American, 0.0033%; no homozygotes.

Submission:

GeneDx
Classification: Uncertain significance. Last evaluated: 2023-06-20. Review status: criteria provided, single submitter. Criteria: GeneDx Variant Classification Process June 2021. Collection method: clinical testing. Allele origin: germline. Affected: yes.
Comment: Not observed at significant frequency in large population cohorts (gnomAD); In silico analysis supports that this missense variant has a deleterious effect on protein structure/function; Has not been previously published as pathogenic or benign to our knowledge

NM_000504.4(F10):c.316G>A (p.Gly106Arg)

Gene: F10 (coagulation factor X; plus strand). Cytogenetic location: 13q34.
Variant type: single nucleotide variant.
Coding change: c.316G>A on transcript NM_000504.4 (MANE Select); coding-DNA position 316, G replaced by A.
Protein change: p.Gly106Arg; replaces glycine 106 with arginine.
Molecular consequence: missense variant.
Genome position (GRCh38, 1-based): chr13:113,139,416, G>A. VCF-style: chr13-113139416-G-A. GRCh37 (hg19) VCF-style: chr13-113793730-G-A.
Other names: c.316G>A, p.Gly106Arg (NM_001312674.2, NM_001312675.2); short protein forms G106R.
Identifiers: ClinVar variation 3359830 (VCV003359830.1).